The following is an entry in ClinVar:

ClinVar aggregate classification (germline): Uncertain significance (1 of 4 stars; one submission).

Conditions:
Immunodeficiency 36 with lymphoproliferation. Also called: ACTIVATED PI3K-DELTA SYNDROME 2; Activated PI3K Delta Syndrome Type 2 (APDS2); Immunodeficiency 36. Identifiers: Orphanet 397596, Orphanet 693681, MedGen C4014934, MONDO:0014453, OMIM 616005.
Agammaglobulinemia 7, autosomal recessive (AGM7). Also called: AGAMMAGLOBULINEMIA, AUTOSOMAL RECESSIVE, DUE TO PIK3R1 DEFECT. Identifiers: MedGen C3554689, MONDO:0014083, OMIM 615214.
SHORT syndrome. Also called: PIK3R1-Related SHORT Syndrome; SHORT STATURE, HYPEREXTENSIBILITY, HERNIA, OCULAR DEPRESSION, RIEGER ANOMALY, AND TEETHING DELAY; LIPODYSTROPHY, PARTIAL, WITH RIEGER ANOMALY AND SHORT STATURE. Identifiers: Orphanet 3163, MedGen C0878684, MONDO:0010026, OMIM 269880.

Allele frequency attached by ClinVar (database versions not stated): gnomAD exomes below 0.00001.
gnomAD v4.1: 1 of 1,614,124 alleles (0.000062%); highest among the groups gnomAD compares: Non-Finnish European, 0.000085%; no homozygotes.

Submission:

Labcorp Genetics (formerly Invitae), Labcorp
Classification: Uncertain significance for SHORT syndrome; Immunodeficiency 36 with lymphoproliferation; Agammaglobulinemia 7, autosomal recessive. Last evaluated: 2022-08-30. Review status: criteria provided, single submitter. Criteria: Invitae Variant Classification Sherloc (09022015). Collection method: clinical testing. Allele origin: germline.
Comment: In summary, the available evidence is currently insufficient to determine the role of this variant in disease. Therefore, it has been classified as a Variant of Uncertain Significance. Algorithms developed to predict the effect of missense changes on protein structure and function (SIFT, PolyPhen-2, Align-GVGD) all suggest that this variant is likely to be tolerated. This variant has not been reported in the literature in individuals affected with PIK3R1-related conditions. This variant is not present in population databases (gnomAD no frequency). This sequence change replaces glutamic acid, which is acidic and polar, with lysine, which is basic and polar, at codon 51 of the PIK3R1 protein (p.Glu51Lys).

NM_181523.3(PIK3R1):c.151G>A (p.Glu51Lys)

Gene: PIK3R1 (phosphoinositide-3-kinase regulatory subunit 1; plus strand). Cytogenetic location: 5q13.1.
Variant type: single nucleotide variant.
Coding change: c.151G>A on transcript NM_181523.3 (MANE Select); coding-DNA position 151, G replaced by A.
Protein change: p.Glu51Lys; replaces glutamic acid 51 with lysine.
Molecular consequence: missense variant.
Genome position (GRCh38, 1-based): chr5:68,226,826, G>A. VCF-style: chr5-68226826-G-A. GRCh37 (hg19) VCF-style: chr5-67522654-G-A.
Other names: short protein forms E51K.
Identifiers: ClinVar variation 1718323 (VCV001718323.6), dbSNP rs2111964278, ClinGen allele CA359979681.